The following is an entry in ClinVar:

ClinVar aggregate classification (germline): Benign (0 of 4 stars; one submission).

Conditions:
TENM1-related disorder. Also called: TENM1-related condition.

Allele frequency attached by ClinVar (database versions not stated): gnomAD exomes 0.00027; TOPMed 0.00029; gnomAD 0.00034; ExAC 0.00083; 1000 Genomes Project 30x 0.00208; 1000 Genomes Project 0.00265.
gnomAD v4.1: 337 of 1,209,949 alleles (0.028%); highest among the groups gnomAD compares: East Asian, 0.91%; 3 homozygotes.

Submission:

PreventionGenetics, part of Exact Sciences
Classification: Benign for TENM1-related condition. Last evaluated: 2020-01-20. Review status: no assertion criteria provided. Collection method: clinical testing. Allele origin: germline.
Comment: This variant is classified as benign based on ACMG/AMP sequence variant interpretation guidelines (Richards et al. 2015 PMID: 25741868, with internal and published modifications).

NM_001163278.2(TENM1):c.1921A>G (p.Lys641Glu)

Gene: TENM1 (teneurin transmembrane protein 1; minus strand). Cytogenetic location: Xq25.
Variant type: single nucleotide variant.
Coding change: c.1921A>G on transcript NM_001163278.2 (MANE Select); coding-DNA position 1921, A replaced by G.
Protein change: p.Lys641Glu; replaces lysine 641 with glutamic acid.
Molecular consequence: missense variant.
Genome position (GRCh38, 1-based): chrX:124,641,947, T>C on the plus strand (A>G on the coding strand, the complement: TENM1 is on the minus strand). VCF-style: chrX-124641947-T-C. GRCh37 (hg19) VCF-style: chrX-123775797-T-C.
Other names: c.1918A>G, p.Lys640Glu (NM_001163279.1); c.1921A>G, p.Lys641Glu (NM_014253.3); short protein forms K640E, K641E.
Identifiers: ClinVar variation 3041105 (VCV003041105.2), dbSNP rs6649271, ClinGen allele CA10510213.
Genomic context (GRCh38, chrX:124,641,947, plus strand): 5'-CAGGAAGTGGTGTTTCACAGTTAACTCCTCCCCAGCCAGTAGAACAGTGACATTCTCCTT[T>C]TACACAGATGCCATGGTTGGAACACATTGGGTCTAGGCAGTCCTCTGAAGGCACAAAAAA-3'
Protein context (NP_001156750.1, residues 631-651): PMCSNHGICV[Lys641Glu]GECHCSTGWG